The following is an entry in ClinVar:

NM_006269.2(RP1):c.3724A>G (p.Ser1242Gly)

Gene: RP1 (RP1 axonemal microtubule associated; plus strand). Cytogenetic location: 8q12.1.
Variant type: single nucleotide variant.
Coding change: c.3724A>G on transcript NM_006269.2 (MANE Select); coding-DNA position 3724, A replaced by G.
Protein change: p.Ser1242Gly; replaces serine 1242 with glycine.
Molecular consequence: missense variant. On other transcripts: intron variant (1).
Genome position (GRCh38, 1-based): chr8:54,627,606, A>G. VCF-style: chr8-54627606-A-G. GRCh37 (hg19) VCF-style: chr8-55540166-A-G.
Other names: c.787+5318A>G (NM_001375654.1); short protein forms S1242G.
Identifiers: ClinVar variation 2283501 (VCV002283501.4), dbSNP rs1806106106, ClinGen allele CA370997132.

ClinVar aggregate classification (germline): Uncertain significance. Review status: criteria provided, multiple submitters, no conflicts (2 of 4 stars). 2 submissions from 2 submitters: Uncertain significance (2). Last evaluated 2024-12-23.

Conditions:
Inborn genetic diseases. Identifiers: MedGen C0950123, MeSH D030342.

Allele frequency attached by ClinVar (database versions not stated): gnomAD exomes below 0.00001.
gnomAD v4.1: 1 of 1,614,220 alleles (0.000062%); highest among the groups gnomAD compares: Admixed American, 0.0017%; no homozygotes.

Submissions (2):

Labcorp Genetics (formerly Invitae), Labcorp
Classification: Uncertain significance. Last evaluated: 2024-12-23. Review status: criteria provided, single submitter. Criteria: Invitae Variant Classification Sherloc (09022015). Collection method: clinical testing. Allele origin: germline.
Comment: This sequence change replaces serine, which is neutral and polar, with glycine, which is neutral and non-polar, at codon 1242 of the RP1 protein (p.Ser1242Gly). This variant is not present in population databases (gnomAD no frequency). This variant has not been reported in the literature in individuals affected with RP1-related conditions. ClinVar contains an entry for this variant (Variation ID: 2283501). An algorithm developed to predict the effect of missense changes on protein structure and function (PolyPhen-2) suggests that this variant is likely to be tolerated. In summary, the available evidence is currently insufficient to determine the role of this variant in disease. Therefore, it has been classified as a Variant of Uncertain Significance.

Ambry Genetics
Classification: Uncertain significance for Inborn genetic diseases. Last evaluated: 2022-04-12. Review status: criteria provided, single submitter. Criteria: Ambry Variant Classification Scheme 2023. Collection method: clinical testing. Allele origin: germline.